The following is an entry in ClinVar:

ClinVar aggregate classification (germline): Uncertain significance (1 of 4 stars; one submission).

Conditions:
Cardiovascular phenotype. Identifiers: MedGen CN230736.

Submission:

Ambry Genetics
Classification: Uncertain significance for Cardiovascular phenotype. Last evaluated: 2021-06-25. Review status: criteria provided, single submitter. Criteria: Ambry Variant Classification Scheme 2023. Collection method: clinical testing. Allele origin: germline.
Comment: The p.N844K variant (also known as c.2532T>A), located in coding exon 19 of the RASA1 gene, results from a T to A substitution at nucleotide position 2532. The asparagine at codon 844 is replaced by lysine, an amino acid with similar properties. This amino acid position is conserved. In addition, the in silico prediction for this alteration is inconclusive. Since supporting evidence is limited at this time, the clinical significance of this alteration remains unclear.

NM_002890.3(RASA1):c.2532T>A (p.Asn844Lys)

Genes: CCNH (cyclin H; minus strand), RASA1 (RAS p21 protein activator 1; plus strand). Cytogenetic location: 5q14.3.
Variant type: single nucleotide variant.
Coding change: c.2532T>A on transcript NM_002890.3 (MANE Select); coding-DNA position 2532, T replaced by A.
Protein change: p.Asn844Lys; replaces asparagine 844 with lysine.
Molecular consequence: missense variant. On other transcripts: intron variant (1).
Genome position (GRCh38, 1-based): chr5:87,379,779, T>A. VCF-style: chr5-87379779-T-A. GRCh37 (hg19) VCF-style: chr5-86675596-T-A.
Other names: c.2001T>A, p.Asn667Lys (NM_022650.3); c.933+15265A>T (NM_001364075.2); short protein forms N844K, N667K.
Identifiers: ClinVar variation 1792719 (VCV001792719.2), dbSNP rs2531359937, ClinGen allele CA360383790.